The following is an entry in ClinVar:

ClinVar aggregate classification (germline): Uncertain significance. Review status: criteria provided, multiple submitters, no conflicts (2 of 4 stars). 3 submissions from 3 submitters: Uncertain significance (3). Last evaluated 2026-01-18.

Conditions:
Congenital contractural arachnodactyly (CCA). Also called: Beals-Hecht syndrome; Arthrogryposis, distal, type 9; BEALS SYNDROME. Identifiers: Orphanet 115, MedGen C0220668, MONDO:0007363, OMIM 121050.
Familial thoracic aortic aneurysm and aortic dissection (TAAD). Also called: Thoracic aortic aneurysms and dissections. Identifiers: Orphanet 91387, MedGen C4707243, MONDO:0019625.

gnomAD v4.1: 1 of 1,614,020 alleles (0.000062%); highest among the groups gnomAD compares: South Asian, 0.0011%; no homozygotes.

Submissions (3):

Labcorp Genetics (formerly Invitae), Labcorp
Classification: Uncertain significance for Congenital contractural arachnodactyly. Last evaluated: 2026-01-18. Review status: criteria provided, single submitter. Criteria: Invitae Variant Classification Sherloc (09022015). Collection method: clinical testing. Allele origin: germline.
Comment: This sequence change replaces aspartic acid, which is acidic and polar, with glutamic acid, which is acidic and polar, at codon 2687 of the FBN2 protein (p.Asp2687Glu). This variant is not present in population databases (gnomAD no frequency). This variant has not been reported in the literature in individuals affected with FBN2-related conditions. ClinVar contains an entry for this variant (Variation ID: 1380823). Invitae Evidence Modeling of protein sequence and biophysical properties (such as structural, functional, and spatial information, amino acid conservation, physicochemical variation, residue mobility, and thermodynamic stability) indicates that this missense variant is not expected to disrupt FBN2 protein function with a negative predictive value of 80%. In summary, the available evidence is currently insufficient to determine the role of this variant in disease. Therefore, it has been classified as a Variant of Uncertain Significance.

Women's Health and Genetics/Laboratory Corporation of America, LabCorp
Classification: Uncertain significance. Last evaluated: 2025-05-28. Review status: criteria provided, single submitter. Criteria: LabCorp Variant Classification Summary - May 2015. Collection method: clinical testing. Allele origin: germline.

Ambry Genetics
Classification: Uncertain significance for Familial thoracic aortic aneurysm and aortic dissection. Last evaluated: 2019-07-26. Review status: criteria provided, single submitter. Criteria: Ambry Variant Classification Scheme 2023. Collection method: clinical testing. Allele origin: germline.
Comment: The p.D2687E variant (also known as c.8061C>G), located in coding exon 63 of the FBN2 gene, results from a C to G substitution at nucleotide position 8061. The aspartic acid at codon 2687 is replaced by glutamic acid, an amino acid with highly similar properties, and is located in the cb EGF-like #43 domain. This amino acid position is not well conserved in available vertebrate species, and glutamic acid is the reference amino acid in other vertebrate species. In addition, this alteration is predicted to be tolerated by in silico analysis. Since supporting evidence is limited at this time, the clinical significance of this alteration remains unclear.

NM_001999.4(FBN2):c.8061C>G (p.Asp2687Glu)

Gene: FBN2 (fibrillin 2; minus strand). Cytogenetic location: 5q23.3.
Variant type: single nucleotide variant.
Coding change: c.8061C>G on transcript NM_001999.4 (MANE Select); coding-DNA position 8061, C replaced by G.
Protein change: p.Asp2687Glu; replaces aspartic acid 2687 with glutamic acid.
Molecular consequence: missense variant.
Genome position (GRCh38, 1-based): chr5:128,263,556, G>C on the plus strand (C>G on the coding strand, the complement: FBN2 is on the minus strand). VCF-style: chr5-128263556-G-C. GRCh37 (hg19) VCF-style: chr5-127599248-G-C.
Other names: short protein forms D2687E.
Identifiers: ClinVar variation 1380823 (VCV001380823.11), dbSNP rs749888746, ClinGen allele CA127005299.